The following is an entry in ClinVar:

NM_001110556.2(FLNA):c.1367T>C (p.Val456Ala)

Gene: FLNA (filamin A; minus strand). Cytogenetic location: Xq28.
Variant type: single nucleotide variant.
Coding change: c.1367T>C on transcript NM_001110556.2 (MANE Select); coding-DNA position 1367, T replaced by C.
Protein change: p.Val456Ala; replaces valine 456 with alanine.
Molecular consequence: missense variant.
Genome position (GRCh38, 1-based): chrX:154,366,086, A>G on the plus strand (T>C on the coding strand, the complement: FLNA is on the minus strand). VCF-style: chrX-154366086-A-G. GRCh37 (hg19) VCF-style: chrX-153594454-A-G.
Other names: c.1367T>C, p.Val456Ala (NM_001456.4); short protein forms V456A.
Identifiers: ClinVar variation 383400 (VCV000383400.4), dbSNP rs1057521615, ClinGen allele CA16608339.

ClinVar aggregate classification (germline): Uncertain significance. Review status: criteria provided, multiple submitters, no conflicts (2 of 4 stars). 2 submissions from 2 submitters: Uncertain significance (2). Last evaluated 2026-07-09.

Conditions:
Familial thoracic aortic aneurysm and aortic dissection (TAAD). Also called: Thoracic aortic aneurysms and dissections. Identifiers: Orphanet 91387, MedGen C4707243, MONDO:0019625.

Allele frequency attached by ClinVar (database versions not stated): gnomAD 0.00001; gnomAD exomes 0.00001.

Submissions (2):

Ambry Genetics
Classification: Uncertain significance for Familial thoracic aortic aneurysm and aortic dissection. Last evaluated: 2026-07-09. Review status: criteria provided, single submitter. Criteria: Ambry Variant Classification Scheme 2023. Collection method: clinical testing. Allele origin: germline.
Comment: The p.V456A variant (also known as c.1367T>C), located in coding exon 8 of the FLNA gene, results from a T to C substitution at nucleotide position 1367. The valine at codon 456 is replaced by alanine, an amino acid with similar properties. This amino acid position is conserved. In addition, this alteration is predicted to be deleterious by in silico analysis. Based on the available evidence, the clinical significance of this variant remains unclear.

GeneDx
Classification: Uncertain significance. Last evaluated: 2020-07-13. Review status: criteria provided, single submitter. Criteria: GeneDx Variant Classification Process June 2021. Collection method: clinical testing. Allele origin: germline. Affected: yes.
Comment: Not observed at a significant frequency in large population cohorts (Lek et al., 2016); In silico analysis supports that this missense variant has a deleterious effect on protein structure/function; Has not been previously published as pathogenic or benign to our knowledge